The following is an entry in ClinVar:

NM_003070.5(SMARCA2):c.1451A>G (p.His484Arg)

Gene: SMARCA2 (SWI/SNF related BAF chromatin remodeling complex subunit ATPase 2; plus strand). Cytogenetic location: 9p24.3.
Variant type: single nucleotide variant.
Coding change: c.1451A>G on transcript NM_003070.5 (MANE Select); coding-DNA position 1451, A replaced by G.
Protein change: p.His484Arg; replaces histidine 484 with arginine.
Molecular consequence: missense variant.
Genome position (GRCh38, 1-based): chr9:2,058,394, A>G. VCF-style: chr9-2058394-A-G. GRCh37 (hg19) VCF-style: chr9-2058394-A-G.
Other names: c.1451A>G, p.His484Arg (NM_001289396.2, NM_001289397.2, NM_139045.4); short protein forms H484R.
Identifiers: ClinVar variation 4055827 (VCV004055827.1).

ClinVar aggregate classification (germline): Uncertain significance (1 of 4 stars; one submission).

Submission:

GeneDx
Classification: Uncertain significance. Last evaluated: 2024-09-24. Review status: criteria provided, single submitter. Criteria: GeneDx Variant Classification Process June 2021. Collection method: clinical testing. Allele origin: germline. Affected: yes.
Comment: Not observed at significant frequency in large population cohorts (gnomAD); In silico analysis supports that this missense variant has a deleterious effect on protein structure/function; Has not been previously published as pathogenic or benign to our knowledge